The following is an entry in ClinVar:

ClinVar aggregate classification (germline): Uncertain significance. Review status: criteria provided, multiple submitters, no conflicts (2 of 4 stars). 2 submissions from 2 submitters: Uncertain significance (2). Last evaluated 2025-01-01.

Conditions:
Tuberous sclerosis 2 (TSC2). Identifiers: Orphanet 805, MedGen C1860707, MONDO:0013199, OMIM 613254.

Allele frequency attached by ClinVar (database versions not stated): TOPMed below 0.00001.

Submissions (2):

Labcorp Genetics (formerly Invitae), Labcorp
Classification: Uncertain significance for Tuberous sclerosis 2. Last evaluated: 2025-01-01. Review status: criteria provided, single submitter. Criteria: Invitae Variant Classification Sherloc (09022015). Collection method: clinical testing. Allele origin: germline.
Comment: This sequence change replaces glycine, which is neutral and non-polar, with serine, which is neutral and polar, at codon 1134 of the TSC2 protein (p.Gly1134Ser). This variant is not present in population databases (gnomAD no frequency). This variant has not been reported in the literature in individuals affected with TSC2-related conditions. ClinVar contains an entry for this variant (Variation ID: 1679486). An algorithm developed to predict the effect of missense changes on protein structure and function (PolyPhen-2) suggests that this variant is likely to be disruptive. In summary, the available evidence is currently insufficient to determine the role of this variant in disease. Therefore, it has been classified as a Variant of Uncertain Significance.

ARUP Laboratories, Molecular Genetics and Genomics, ARUP Laboratories
Classification: Uncertain significance. Last evaluated: 2022-01-26. Review status: criteria provided, single submitter. Criteria: ARUP Molecular Germline Variant Investigation Process 2021. Collection method: clinical testing. Allele origin: germline.
Comment: The TSC2 c.3400G>A; p.Gly1134Ser (rs2089952201), to our knowledge, is not reported in the medical literature or gene specific databases. This variant is also absent from general population databases (Exome Variant Server, Genome Aggregation Database), indicating it is not a common polymorphism. The glycine at codon 1134 is highly conserved, but computational analyses are uncertain whether this variant is neutral or deleterious (REVEL: 0.564). Due to limited information, the clinical significance of the p.Gly1134Ser variant is uncertain at this time.

NM_000548.5(TSC2):c.3400G>A (p.Gly1134Ser)

Gene: TSC2 (TSC complex subunit 2; plus strand). Cytogenetic location: 16p13.3.
Variant type: single nucleotide variant.
Coding change: c.3400G>A on transcript NM_000548.5 (MANE Select); coding-DNA position 3400, G replaced by A.
Protein change: p.Gly1134Ser; replaces glycine 1134 with serine.
Molecular consequence: missense variant.
Genome position (GRCh38, 1-based): chr16:2,080,167, G>A. VCF-style: chr16-2080167-G-A. GRCh37 (hg19) VCF-style: chr16-2130168-G-A.
Other names: c.3268G>A, p.Gly1090Ser (NM_001077183.3, NM_001370404.1); c.3400G>A, p.Gly1134Ser (NM_001114382.3); c.3160G>A, p.Gly1054Ser (NM_001318827.2); c.3124G>A, p.Gly1042Ser (NM_001318829.2); c.2668G>A, p.Gly890Ser (NM_001318831.2); c.3301G>A, p.Gly1101Ser (NM_001318832.2); c.3271G>A, p.Gly1091Ser (NM_001363528.2, NM_001370405.1, NM_021055.3); short protein forms G1042S, G1054S, G1090S, G1091S, G1101S, G1134S, G890S.
Identifiers: ClinVar variation 1679486 (VCV001679486.10), dbSNP rs2089952201, ClinGen allele CA394288345.